The following is an entry in ClinVar:

NM_001278116.2(L1CAM):c.1408C>T (p.Gln470Ter)

Gene: L1CAM (L1 cell adhesion molecule; minus strand). Cytogenetic location: Xq28.
Variant type: single nucleotide variant.
Coding change: c.1408C>T on transcript NM_001278116.2 (MANE Select); coding-DNA position 1408, C replaced by T.
Protein change: p.Gln470Ter; replaces glutamine 470 with a stop codon.
Molecular consequence: nonsense.
Genome position (GRCh38, 1-based): chrX:153,868,699, G>A on the plus strand (C>T on the coding strand, the complement: L1CAM is on the minus strand). VCF-style: chrX-153868699-G-A. GRCh37 (hg19) VCF-style: chrX-153134154-G-A.
Other names: c.1408C>T, p.Gln470Ter (NM_000425.5, NM_024003.3); c.1393C>T, p.Gln465Ter (NM_001143963.2); short protein forms Q470*, Q465*.
Identifiers: ClinVar variation 418278 (VCV000418278.3), dbSNP rs1064793163, ClinGen allele CA16621234.

ClinVar aggregate classification (germline): Pathogenic. Review status: criteria provided, multiple submitters, no conflicts (2 of 4 stars). 2 submissions from 2 submitters: Pathogenic (2). Last evaluated 2019-01-01.

Conditions:
X-linked hydrocephalus syndrome (HYCX). Also called: HYDROCEPHALUS, CONGENITAL, X-LINKED; X-Linked Hydrocephalus with Stenosis of the Aqueduct of Sylvius; AQUEDUCTAL STENOSIS, X-LINKED; X-Linked Hydrocephalus with Stenosis of the Aqueduct of Sylvius (HSAS); X-linked hydrocephalus. Identifiers: Orphanet 2182, MedGen C0265216, MONDO:0010611, OMIM 307000.

Submissions (2):

Institute of Human Genetics, University of Leipzig Medical Center
Classification: Pathogenic for X-linked hydrocephalus syndrome. Last evaluated: 2019-01-01. Review status: criteria provided, single submitter. Criteria: ACMG Guidelines, 2015. Collection method: clinical testing. Allele origin: unknown. Affected: yes.

GeneDx
Classification: Pathogenic. Last evaluated: 2018-04-26. Review status: criteria provided, single submitter. Criteria: GeneDx Variant Classification (06012015). Collection method: clinical testing. Allele origin: germline. Affected: yes.
Comment: The Q470X nonsense variant in the L1CAM gene has not previously been reported in the literature to our knowledge. It is predicted to cause loss of normal protein function either through protein truncation or nonsense-mediated mRNA decay. The Q470X variant was not observed in approximately 6,500 individuals of European and African American ancestry in the NHLBI Exome Sequencing Project, indicating it is not a common benign variant in these populations. Approximately 5% of females who are heterozygous for pathogenic variants in the L1CAM gene will exhibit clinical manifestations of an L1CAM-related disorder (Kaepernick et al., 1994).